The following is an entry in ClinVar:

ClinVar aggregate classification (germline): Uncertain significance (1 of 4 stars; one submission).

Conditions:
Autosomal dominant nonsyndromic hearing loss 1. Also called: KONIGSMARK SYNDROME; DEAFNESS, AUTOSOMAL DOMINANT 1, WITH OR WITHOUT THROMBOCYTOPENIA. Identifiers: Orphanet 90635, MedGen C1852282, MONDO:0007424, OMIM 124900.
Progressive microcephaly-seizures-cortical blindness-developmental delay syndrome. Also called: Seizures, cortical blindness, and microcephaly syndrome. Identifiers: Orphanet 477814, MedGen C5567650, MONDO:0014714, OMIM 616632.

Allele frequency attached by ClinVar (database versions not stated): gnomAD exomes 0.00001; ExAC 0.00002.
gnomAD v4.1: 8 of 1,612,462 alleles (0.0005%); highest among the groups gnomAD compares: South Asian, 0.0011%; no homozygotes.

Submission:

Labcorp Genetics (formerly Invitae), Labcorp
Classification: Uncertain significance for Progressive microcephaly-seizures-cortical blindness-developmental delay syndrome; Autosomal dominant nonsyndromic hearing loss 1. Last evaluated: 2023-12-13. Review status: criteria provided, single submitter. Criteria: Invitae Variant Classification Sherloc (09022015). Collection method: clinical testing. Allele origin: germline.
Comment: This sequence change replaces arginine, which is basic and polar, with tryptophan, which is neutral and slightly polar, at codon 780 of the DIAPH1 protein (p.Arg780Trp). This variant is present in population databases (rs754235853, gnomAD 0.003%). This variant has not been reported in the literature in individuals affected with DIAPH1-related conditions. ClinVar contains an entry for this variant (Variation ID: 1421248). An algorithm developed to predict the effect of missense changes on protein structure and function (PolyPhen-2) suggests that this variant is likely to be disruptive. In summary, the available evidence is currently insufficient to determine the role of this variant in disease. Therefore, it has been classified as a Variant of Uncertain Significance.

NM_005219.5(DIAPH1):c.2338C>T (p.Arg780Trp)

Gene: DIAPH1 (diaphanous related formin 1; minus strand). Cytogenetic location: 5q31.3.
Variant type: single nucleotide variant.
Coding change: c.2338C>T on transcript NM_005219.5 (MANE Select); coding-DNA position 2338, C replaced by T.
Protein change: p.Arg780Trp; replaces arginine 780 with tryptophan.
Molecular consequence: missense variant.
Genome position (GRCh38, 1-based): chr5:141,573,512, G>A on the plus strand (C>T on the coding strand, the complement: DIAPH1 is on the minus strand). VCF-style: chr5-141573512-G-A. GRCh37 (hg19) VCF-style: chr5-140953079-G-A.
Other names: c.2311C>T, p.Arg771Trp (NM_001079812.3); c.2338C>T, p.Arg780Trp (NM_001314007.2); short protein forms R771W, R780W.
Identifiers: ClinVar variation 1421248 (VCV001421248.6), dbSNP rs754235853, ClinGen allele CA3479116.